The following is an entry in ClinVar:

NM_000350.3(ABCA4):c.4925G>T (p.Ser1642Ile)

Genes: ABCA4 (ATP binding cassette subfamily A member 4; minus strand), LOC126805793 (CDK7 strongly-dependent group 2 enhancer GRCh37_chr1:94486302-94487501; plus strand). Cytogenetic location: 1p22.1.
Variant type: single nucleotide variant.
Coding change: c.4925G>T on transcript NM_000350.3 (MANE Select); coding-DNA position 4925, G replaced by T.
Protein change: p.Ser1642Ile; replaces serine 1642 with isoleucine.
Molecular consequence: missense variant.
Genome position (GRCh38, 1-based): chr1:94,021,333, C>A on the plus strand (G>T on the coding strand, the complement: ABCA4 is on the minus strand). VCF-style: chr1-94021333-C-A. GRCh37 (hg19) VCF-style: chr1-94486889-C-A.
Other names: c.4703G>T, p.Ser1568Ile (NM_001425324.1); short protein forms S1642I, S1568I.
Identifiers: ClinVar variation 298232 (VCV000298232.20), dbSNP rs114518437, ClinGen allele CA957429.
Genomic context (GRCh38, chr1:94,021,333, plus strand): 5'-TTCAGGGGTTGGCTAATGACGGTGATTCCATACTCCTCGGGGCTCCTGTCCTTAGGCAGG[C>A]TGGCCCGTAAGATGGCGTTGTGGGCCACATTGAGAAAGCTGACCAGGGCATGCCAGCCTT-3'
Protein context (NP_000341.2, residues 1632-1652): NVAHNAILRA[Ser1642Ile]LPKDRSPEEY

ClinVar aggregate classification (germline): Conflicting classifications of pathogenicity. Review status: criteria provided, conflicting classifications (1 of 4 stars). 4 submissions from 4 submitters: Uncertain significance (1); Benign (1); Likely benign (2). Last evaluated 2026-02-02.

Conditions:
ABCA4-related disorder. Also called: ABCA4-related disorders; ABCA4-related condition. Identifiers: MedGen CN239167.

Allele frequency attached by ClinVar (database versions not stated): gnomAD exomes 0.00102; ExAC 0.00122; 1000 Genomes Project 30x 0.00312; 1000 Genomes Project 0.00339; gnomAD 0.00391 and 0.00425; ESP Exome Variant Server 0.00415; TOPMed 0.00453.
gnomAD v4.1: 1,103 of 1,614,182 alleles (0.068%); highest among the groups gnomAD compares: African/African-American, 1.3%; 3 homozygotes.

Submissions (4):

Labcorp Genetics (formerly Invitae), Labcorp
Classification: Benign. Last evaluated: 2026-02-02. Review status: criteria provided, single submitter. Criteria: Invitae Variant Classification Sherloc (09022015). Collection method: clinical testing. Allele origin: germline.

Blueprint Genetics
Classification: Likely benign. Last evaluated: 2024-10-09. Review status: criteria provided, single submitter. Criteria: ACMG Guidelines, 2015. Collection method: clinical testing. Allele origin: germline.

GeneDx
Classification: Uncertain significance. Last evaluated: 2018-12-20. Review status: criteria provided, single submitter. Criteria: GeneDx Variant Classification (06012015). Collection method: clinical testing. Allele origin: germline. Affected: yes.
Comment: The S1642I variant in the ABCA4 gene has not been reported previously as a pathogenic variant, nor as a benign variant, to our knowledge. The S1642I variant is observed in 348/24,036 (1.4%) alleles from individuals of African background and 372/277,170 (0.13%) total alleles in large population cohorts, including one homozygous individual, which is greater than expected for this disorder (Lek et al., 2016). However, the S1642I variant is a non-conservative amino acid substitution, which is likely to impact secondary protein structure as these residues differ in polarity, charge, size and/or other properties. In-silico analyses, including protein predictors and evolutionary conservation, support a deleterious effect. We interpret S1642I as a variant of uncertain significance.

Illumina Laboratory Services, Illumina
Classification: Likely benign for ABCA4-Related Disorders. Last evaluated: 2017-04-28. Review status: criteria provided, single submitter. Criteria: ICSL Variant Classification Criteria 13 December 2019. Collection method: clinical testing. Allele origin: germline.
Comment: This variant was observed as part of a predisposition screen in an ostensibly healthy population. A literature search was performed for the gene, cDNA change, and amino acid change (where applicable). No publications were found based on this search. Allele frequency data from public databases allowed determination this variant is unlikely to cause disease. Therefore, this variant is classified as likely benign.